The following is an entry in ClinVar:

ClinVar aggregate classification (germline): Uncertain significance (1 of 4 stars; one submission).

Conditions:
Cardiovascular phenotype. Identifiers: MedGen CN230736.

gnomAD v4.1: 1 of 1,612,812 alleles (0.000062%); highest among the groups gnomAD compares: African/African-American, 0.0013%; no homozygotes.

Submission:

Ambry Genetics
Classification: Uncertain significance for Cardiovascular phenotype. Last evaluated: 2019-11-21. Review status: criteria provided, single submitter. Criteria: Ambry Variant Classification Scheme 2023. Collection method: clinical testing. Allele origin: germline.
Comment: The p.R170P variant (also known as c.509G>C), located in coding exon 3 of the BAG3 gene, results from a G to C substitution at nucleotide position 509. The arginine at codon 170 is replaced by proline, an amino acid with dissimilar properties. This amino acid position is not well conserved in available vertebrate species, and proline is the reference amino acid in other vertebrate species. In addition, the in silico prediction for this alteration is inconclusive. Since supporting evidence is limited at this time, the clinical significance of this alteration remains unclear.

NM_004281.4(BAG3):c.509G>C (p.Arg170Pro)

Gene: BAG3 (BAG cochaperone 3; plus strand). Cytogenetic location: 10q26.11.
Variant type: single nucleotide variant.
Coding change: c.509G>C on transcript NM_004281.4 (MANE Select); coding-DNA position 509, G replaced by C.
Protein change: p.Arg170Pro; replaces arginine 170 with proline.
Molecular consequence: missense variant.
Genome position (GRCh38, 1-based): chr10:119,672,256, G>C. VCF-style: chr10-119672256-G-C. GRCh37 (hg19) VCF-style: chr10-121431768-G-C.
Other names: short protein forms R170P.
Identifiers: ClinVar variation 1745326 (VCV001745326.2), dbSNP rs140904592, ClinGen allele CA378295238.